The following is an entry in ClinVar:

ClinVar aggregate classification (germline): Uncertain significance. Review status: criteria provided, multiple submitters, no conflicts (2 of 4 stars). 3 submissions from 3 submitters: Uncertain significance (3). Last evaluated 2024-07-17.

Conditions:
Mitochondrial hypertrophic cardiomyopathy with lactic acidosis due to MTO1 deficiency. Also called: CARDIOMYOPATHY, INFANTILE HYPERTROPHIC MITOCHONDRIAL, AND LACTIC ACIDOSIS; Combined oxidative phosphorylation deficiency 10. Identifiers: Orphanet 314637, MedGen C4749921, MONDO:0013865, OMIM 614702.

Allele frequency attached by ClinVar (database versions not stated): gnomAD 0.00001; TOPMed 0.00001; ExAC 0.00007.
gnomAD v4.1: 39 of 1,606,316 alleles (0.0024%); highest among the groups gnomAD compares: Middle Eastern, 0.049%; no homozygotes.

Submissions (3):

Blueprint Genetics
Classification: Uncertain significance. Last evaluated: 2024-07-17. Review status: criteria provided, single submitter. Criteria: ACMG Guidelines, 2015. Collection method: clinical testing. Allele origin: germline.

Labcorp Genetics (formerly Invitae), Labcorp
Classification: Uncertain significance for Mitochondrial hypertrophic cardiomyopathy with lactic acidosis due to MTO1 deficiency. Last evaluated: 2023-10-28. Review status: criteria provided, single submitter. Criteria: Invitae Variant Classification Sherloc (09022015). Collection method: clinical testing. Allele origin: germline.
Comment: This sequence change replaces leucine, which is neutral and non-polar, with valine, which is neutral and non-polar, at codon 548 of the MTO1 protein (p.Leu548Val). This variant is present in population databases (rs755838326, gnomAD 0.03%). This variant has not been reported in the literature in individuals affected with MTO1-related conditions. ClinVar contains an entry for this variant (Variation ID: 1379128). Advanced modeling of protein sequence and biophysical properties (such as structural, functional, and spatial information, amino acid conservation, physicochemical variation, residue mobility, and thermodynamic stability) performed at Invitae indicates that this missense variant is not expected to disrupt MTO1 protein function with a negative predictive value of 80%. In summary, the available evidence is currently insufficient to determine the role of this variant in disease. Therefore, it has been classified as a Variant of Uncertain Significance.

Department of Pathology and Laboratory Medicine, Sinai Health System
Classification: Uncertain significance for Mitochondrial hypertrophic cardiomyopathy with lactic acidosis due to MTO1 deficiency. Last evaluated: 2020-06-19. Review status: criteria provided, single submitter. Criteria: ACMG Guidelines, 2015. Collection method: research. Allele origin: germline.

NM_012123.4(MTO1):c.1642C>G (p.Leu548Val)

Gene: MTO1 (mitochondrial tRNA translation optimization 1; plus strand). Cytogenetic location: 6q13.
Variant type: single nucleotide variant.
Coding change: c.1642C>G on transcript NM_012123.4 (MANE Select); coding-DNA position 1642, C replaced by G.
Protein change: p.Leu548Val; replaces leucine 548 with valine.
Molecular consequence: missense variant.
Genome position (GRCh38, 1-based): chr6:73,492,238, C>G. VCF-style: chr6-73492238-C-G. GRCh37 (hg19) VCF-style: chr6-74201961-C-G.
Other names: c.1762C>G, p.Leu588Val (NM_001123226.2); c.1717C>G, p.Leu573Val (NM_133645.3); short protein forms L573V, L588V, L548V.
Identifiers: ClinVar variation 1379128 (VCV001379128.6), dbSNP rs755838326, ClinGen allele CA3889723.